The following is an entry in ClinVar:

NM_001283009.2(RTEL1):c.2885del (p.Gln962fs)

Genes: RTEL1 (regulator of telomere elongation helicase 1; plus strand), RTEL1-TNFRSF6B (RTEL1-TNFRSF6B readthrough (NMD candidate); plus strand). Cytogenetic location: 20q13.33.
Variant type: Deletion.
Coding change: c.2885del on transcript NM_001283009.2 (MANE Select); coding-DNA position 2885, one base deleted (A; older notation c.2885delA).
Protein change: p.Gln962fs; shifts the reading frame from glutamine 962.
Molecular consequence: frameshift variant. On other transcripts: non-coding transcript variant (1).
Genome position (GRCh38, 1-based): chr20:63,693,176, A deleted. VCF-style (leftmost placement, unchanged base first): chr20-63693175-CA-C. GRCh37 (hg19) VCF-style: chr20-62324528-CA-C.
Other names: c.2216del, p.Gln739fs (NM_001283010.1); c.2885del, p.Gln962fs (NM_016434.4); c.2957del, p.Gln986fs (NM_032957.5); short protein forms Q739fs, Q962fs, Q986fs.
Identifiers: ClinVar variation 4784518 (VCV004784518.1).

ClinVar aggregate classification (germline): Pathogenic (1 of 4 stars; one submission).

Conditions:
Dyskeratosis congenita, autosomal recessive 5 (DKCB5). Identifiers: MedGen C3554656, MONDO:0014076, OMIM 615190.
Pulmonary fibrosis and/or bone marrow failure, Telomere-related, 3. Also called: PULMONARY FIBROSIS AND/OR BONE MARROW FAILURE SYNDROME, TELOMERE-RELATED, 3. Identifiers: Orphanet 2032, MedGen C4225346, MONDO:0014613, OMIM 616373.

Submission:

Labcorp Genetics (formerly Invitae), Labcorp
Classification: Pathogenic for Dyskeratosis congenita, autosomal recessive 5; Pulmonary fibrosis and/or bone marrow failure, Telomere-related, 3. Last evaluated: 2025-03-24. Review status: criteria provided, single submitter. Criteria: Invitae Variant Classification Sherloc (09022015). Collection method: clinical testing. Allele origin: germline.
Comment: This sequence change creates a premature translational stop signal (p.Gln962Argfs*10) in the RTEL1 gene. It is expected to result in an absent or disrupted protein product. Loss-of-function variants in RTEL1 are known to be pathogenic (PMID: 23453664, 23959892, 25607374). This variant is not present in population databases (gnomAD no frequency). This variant has not been reported in the literature in individuals affected with RTEL1-related conditions. Algorithms developed to predict the effect of sequence changes on RNA splicing suggest that this variant may disrupt the consensus splice site. For these reasons, this variant has been classified as Pathogenic.

Literature cited by the submitters: PubMed 23453664; PubMed 23959892; PubMed 25607374.